The following is an entry in ClinVar:

NM_021008.4(DEAF1):c.1375A>G (p.Met459Val)

Genes: DEAF1 (DEAF1 transcription factor; minus strand), LOC126861109 (BRD4-independent group 4 enhancer GRCh37_chr11:673917-675116; plus strand). Cytogenetic location: 11p15.5.
Variant type: single nucleotide variant.
Coding change: c.1375A>G on transcript NM_021008.4 (MANE Select); coding-DNA position 1375, A replaced by G.
Protein change: p.Met459Val; replaces methionine 459 with valine.
Molecular consequence: missense variant.
Genome position (GRCh38, 1-based): chr11:674,664, T>C on the plus strand (A>G on the coding strand, the complement: DEAF1 is on the minus strand). VCF-style: chr11-674664-T-C. GRCh37 (hg19) VCF-style: chr11-674664-T-C.
Other names: c.1108A>G, p.Met370Val (NM_001293634.2); c.649A>G, p.Met217Val (NM_001367390.1, NM_001440885.1, NM_001440886.1 and 1 more transcripts); c.1375A>G, p.Met459Val (NM_001440883.1); c.1246A>G, p.Met416Val (NM_001440884.1); short protein forms M416V, M217V, M370V, M459V.
Identifiers: ClinVar variation 4779027 (VCV004779027.1).

ClinVar aggregate classification (germline): Uncertain significance (1 of 4 stars; one submission).

gnomAD v4.1: 1 of 1,614,040 alleles (0.000062%); highest among the groups gnomAD compares: South Asian, 0.0011%; no homozygotes.

Submission:

Labcorp Genetics (formerly Invitae), Labcorp
Classification: Uncertain significance. Last evaluated: 2025-06-09. Review status: criteria provided, single submitter. Criteria: Invitae Variant Classification Sherloc (09022015). Collection method: clinical testing. Allele origin: germline.
Comment: This sequence change replaces methionine, which is neutral and non-polar, with valine, which is neutral and non-polar, at codon 459 of the DEAF1 protein (p.Met459Val). This variant is present in population databases (rs766654698, gnomAD 0.003%). This variant has not been reported in the literature in individuals affected with DEAF1-related conditions. Invitae Evidence Modeling of protein sequence and biophysical properties (such as structural, functional, and spatial information, amino acid conservation, physicochemical variation, residue mobility, and thermodynamic stability) indicates that this missense variant is not expected to disrupt DEAF1 protein function with a negative predictive value of 80%. In summary, the available evidence is currently insufficient to determine the role of this variant in disease. Therefore, it has been classified as a Variant of Uncertain Significance.